The following is an entry in ClinVar:

NM_000553.6(WRN):c.979G>A (p.Gly327Arg)

Gene: WRN (WRN RecQ like helicase; plus strand). Cytogenetic location: 8p12.
Variant type: single nucleotide variant.
Coding change: c.979G>A on transcript NM_000553.6 (MANE Select); coding-DNA position 979, G replaced by A.
Protein change: p.Gly327Arg; replaces glycine 327 with arginine.
Molecular consequence: missense variant.
Genome position (GRCh38, 1-based): chr8:31,081,006, G>A. VCF-style: chr8-31081006-G-A. GRCh37 (hg19) VCF-style: chr8-30938522-G-A.
Other names: short protein forms G327R.
Identifiers: ClinVar variation 1056989 (VCV001056989.5), dbSNP rs1813283817, ClinGen allele CA370920100.

ClinVar aggregate classification (germline): Uncertain significance (1 of 4 stars; one submission).

Conditions:
Werner syndrome (WRN). Identifiers: Orphanet 902, MedGen C0043119, MONDO:0010196, OMIM 277700.

Allele frequency attached by ClinVar (database versions not stated): gnomAD exomes below 0.00001.
gnomAD v4.1: 1 of 1,613,856 alleles (0.000062%); highest among the groups gnomAD compares: Non-Finnish European, 0.000085%; no homozygotes.

Submission:

Labcorp Genetics (formerly Invitae), Labcorp
Classification: Uncertain significance for Werner syndrome. Last evaluated: 2021-12-27. Review status: criteria provided, single submitter. Criteria: Invitae Variant Classification Sherloc (09022015). Collection method: clinical testing. Allele origin: germline.
Comment: This variant has not been reported in the literature in individuals affected with WRN-related conditions. In summary, the available evidence is currently insufficient to determine the role of this variant in disease. Therefore, it has been classified as a Variant of Uncertain Significance. Algorithms developed to predict the effect of missense changes on protein structure and function output the following: SIFT: "Not Available"; PolyPhen-2: "Benign"; Align-GVGD: "Not Available". The arginine amino acid residue is found in multiple mammalian species, which suggests that this missense change does not adversely affect protein function. ClinVar contains an entry for this variant (Variation ID: 1056989). This variant is not present in population databases (gnomAD no frequency). This sequence change replaces glycine, which is neutral and non-polar, with arginine, which is basic and polar, at codon 327 of the WRN protein (p.Gly327Arg).